The following is an entry in ClinVar:

ClinVar aggregate classification (germline): Uncertain significance (1 of 4 stars; one submission).

Conditions:
Parenti-mignot neurodevelopmental syndrome. Identifiers: MedGen C5676984, MONDO:0859249, OMIM 619873.

gnomAD v4.1: 3 of 1,614,096 alleles (0.00019%); highest among the groups gnomAD compares: East Asian, 0.0022%; no homozygotes.

Submission:

Laboratorio de Genetica e Diagnostico Molecular, Hospital Israelita Albert Einstein
Classification: Uncertain significance for Parenti-mignot neurodevelopmental syndrome. Last evaluated: 2023-08-30. Review status: criteria provided, single submitter. Criteria: ACMG Guidelines, 2015. Collection method: clinical testing. Allele origin: germline. Affected: yes.
Comment: ACMG classification criteria: PM2 supporting, PP2 supporting, PP3 supporting

NM_015557.3(CHD5):c.1667A>G (p.Tyr556Cys)

Gene: CHD5 (chromodomain helicase DNA binding protein 5; minus strand). Cytogenetic location: 1p36.31.
Variant type: single nucleotide variant.
Coding change: c.1667A>G on transcript NM_015557.3 (MANE Select); coding-DNA position 1667, A replaced by G.
Protein change: p.Tyr556Cys; replaces tyrosine 556 with cysteine.
Molecular consequence: missense variant.
Genome position (GRCh38, 1-based): chr1:6,146,347, T>C on the plus strand (A>G on the coding strand, the complement: CHD5 is on the minus strand). VCF-style: chr1-6146347-T-C. GRCh37 (hg19) VCF-style: chr1-6206407-T-C.
Other names: short protein forms Y556C.
Identifiers: ClinVar variation 3902075 (VCV003902075.1).